The following is an entry in ClinVar:

NM_198578.4(LRRK2):c.3187C>T (p.Leu1063Phe)

Gene: LRRK2 (leucine rich repeat kinase 2; plus strand). Cytogenetic location: 12q12.
Variant type: single nucleotide variant.
Coding change: c.3187C>T on transcript NM_198578.4 (MANE Select); coding-DNA position 3187, C replaced by T.
Protein change: p.Leu1063Phe; replaces leucine 1063 with phenylalanine.
Molecular consequence: missense variant.
Genome position (GRCh38, 1-based): chr12:40,298,333, C>T. VCF-style: chr12-40298333-C-T. GRCh37 (hg19) VCF-style: chr12-40692135-C-T.
Other names: short protein forms L1063F.
Identifiers: ClinVar variation 236291 (VCV000236291.3), dbSNP rs878853306, ClinGen allele CA10581607.

ClinVar aggregate classification (germline): Uncertain significance. Review status: criteria provided, single submitter (1 of 4 stars). 2 submissions from 2 submitters: Uncertain significance (1). 1 of the submissions does not count toward it. Last evaluated 2022-03-09.

Conditions:
Autosomal dominant Parkinson disease 8. Also called: LRRK2-Related Parkinson Disease; Parkinson disease 8; Parkinson disease 8, susceptibility to. Identifiers: Orphanet 411602, MedGen C1846862, MONDO:0011764, OMIM 607060.
Inborn genetic diseases. Identifiers: MedGen C0950123, MeSH D030342.

Allele frequency attached by ClinVar (database versions not stated): gnomAD exomes below 0.00001.
gnomAD v4.1: 2 of 1,613,844 alleles (0.00012%); highest among the groups gnomAD compares: Non-Finnish European, 0.00017%; no homozygotes.

Submissions (2):

Ambry Genetics
Classification: Uncertain significance for Inborn genetic diseases. Last evaluated: 2022-03-09. Review status: criteria provided, single submitter. Criteria: Ambry Variant Classification Scheme 2023. Collection method: clinical testing. Allele origin: germline.
Comment: The p.L1063F variant (also known as c.3187C>T), located in coding exon 24 of the LRRK2 gene, results from a C to T substitution at nucleotide position 3187. The leucine at codon 1063 is replaced by phenylalanine, an amino acid with highly similar properties. This amino acid position is conserved. In addition, this alteration is predicted to be deleterious by in silico analysis. Since supporting evidence is limited at this time, the clinical significance of this alteration remains unclear.

GeneReviews
Classification: Uncertain significance for Autosomal dominant Parkinson disease 8. Last evaluated: 2014-12-11. Review status: no assertion criteria provided. Collection method: literature only. Allele origin: germline. Affected: yes. Not counted in ClinVar's aggregate classification.